The following is an entry in ClinVar:

NM_000032.5(ALAS2):c.1124G>A (p.Arg375His)

Gene: ALAS2 (5'-aminolevulinate synthase 2; minus strand). Cytogenetic location: Xp11.21.
Variant type: single nucleotide variant.
Coding change: c.1124G>A on transcript NM_000032.5 (MANE Select); coding-DNA position 1124, G replaced by A.
Protein change: p.Arg375His; replaces arginine 375 with histidine.
Molecular consequence: missense variant.
Genome position (GRCh38, 1-based): chrX:55,015,622, C>T on the plus strand (G>A on the coding strand, the complement: ALAS2 is on the minus strand). VCF-style: chrX-55015622-C-T. GRCh37 (hg19) VCF-style: chrX-55042055-C-T.
Other names: c.1013G>A, p.Arg338His (NM_001037967.4); c.1085G>A, p.Arg362His (NM_001037968.4); short protein forms R375H, R338H, R362H.
Identifiers: ClinVar variation 2289564 (VCV002289564.4), dbSNP rs752853849, ClinGen allele CA10428337.
Genomic context (GRCh38, chrX:55,015,622, plus strand): 5'-CAAAGCATTCACTTACCAAGAGTTCCAGAGATGATGTCAATCTTATGCATAATTCCATCA[C>T]GCTCCCCAATCCCAGCGCCCCGGGACCCATACAGTCCTACAGCATGGACCTCATCCACGA-3'
Protein context (NP_000023.2, residues 365-385): YGSRGAGIGE[Arg375His]DGIMHKIDII

ClinVar aggregate classification (germline): Uncertain significance. Review status: criteria provided, multiple submitters, no conflicts (2 of 4 stars). 2 submissions from 2 submitters: Uncertain significance (2). Last evaluated 2024-07-08.

Conditions:
Inborn genetic diseases. Identifiers: MedGen C0950123, MeSH D030342.

Allele frequency attached by ClinVar (database versions not stated): gnomAD exomes 0.00001; TOPMed 0.00001; ExAC 0.00002; gnomAD 0.00003.
gnomAD v4.1: 11 of 1,209,196 alleles (0.00091%); highest among the groups gnomAD compares: East Asian, 0.012%; no homozygotes.

Submissions (2):

Labcorp Genetics (formerly Invitae), Labcorp
Classification: Uncertain significance. Last evaluated: 2024-07-08. Review status: criteria provided, single submitter. Criteria: Invitae Variant Classification Sherloc (09022015). Collection method: clinical testing. Allele origin: germline.
Comment: This sequence change replaces arginine, which is basic and polar, with histidine, which is basic and polar, at codon 375 of the ALAS2 protein (p.Arg375His). The frequency data for this variant in the population databases is considered unreliable, as metrics indicate poor data quality at this position in the gnomAD database. This variant has not been reported in the literature in individuals affected with ALAS2-related conditions. ClinVar contains an entry for this variant (Variation ID: 2289564). Advanced modeling of protein sequence and biophysical properties (such as structural, functional, and spatial information, amino acid conservation, physicochemical variation, residue mobility, and thermodynamic stability) has been performed at Invitae for this missense variant, however the output from this modeling did not meet the statistical confidence thresholds required to predict the impact of this variant on ALAS2 protein function. In summary, the available evidence is currently insufficient to determine the role of this variant in disease. Therefore, it has been classified as a Variant of Uncertain Significance.

Ambry Genetics
Classification: Uncertain significance for Inborn genetic diseases. Last evaluated: 2022-05-13. Review status: criteria provided, single submitter. Criteria: Ambry Variant Classification Scheme 2023. Collection method: clinical testing. Allele origin: germline.